The following is an entry in ClinVar:

NM_002474.3(MYH11):c.1863C>T (p.Asp621=)

Gene: MYH11 (myosin heavy chain 11; minus strand). Cytogenetic location: 16p13.11.
Variant type: single nucleotide variant.
Coding change: c.1863C>T on transcript NM_002474.3 (MANE Select); coding-DNA position 1863, C replaced by T.
Protein change: p.Asp621=; no amino-acid change (aspartic acid 621 retained).
Molecular consequence: synonymous variant.
Genome position (GRCh38, 1-based): chr16:15,753,395, G>A on the plus strand (C>T on the coding strand, the complement: MYH11 is on the minus strand). VCF-style: chr16-15753395-G-A. GRCh37 (hg19) VCF-style: chr16-15847252-G-A.
Other names: c.1884C>T, p.Asp628= (NM_001040113.2, NM_001040114.2); c.1863C>T, p.Asp621= (NM_022844.3).
Identifiers: ClinVar variation 628444 (VCV000628444.18), dbSNP rs200158182, ClinGen allele CA7922494.

ClinVar aggregate classification (germline): Conflicting classifications of pathogenicity. Review status: criteria provided, conflicting classifications (1 of 4 stars). 6 submissions from 6 submitters: Uncertain significance (2); Likely benign (4). Last evaluated 2025-10-03.

Conditions:
Aortic aneurysm, familial thoracic 4 (AAT4). Also called: AORTIC ANEURYSM/AORTIC DISSECTION AND PATENT DUCTUS ARTERIOSUS. Identifiers: MedGen C1851504, MONDO:0007568, OMIM 132900.
Familial thoracic aortic aneurysm and aortic dissection (TAAD). Also called: Thoracic aortic aneurysms and dissections. Identifiers: Orphanet 91387, MedGen C4707243, MONDO:0019625.

Allele frequency attached by ClinVar (database versions not stated): gnomAD 0.00004 and 0.00005; gnomAD exomes 0.00005 and 0.00013; ExAC 0.00006; TOPMed 0.00006; ESP Exome Variant Server 0.00008.
gnomAD v4.1: 194 of 1,613,428 alleles (0.012%); highest among the groups gnomAD compares: Non-Finnish European, 0.016%; no homozygotes.

Submissions (6):

Labcorp Genetics (formerly Invitae), Labcorp
Classification: Uncertain significance for Aortic aneurysm, familial thoracic 4. Last evaluated: 2025-10-03. Review status: criteria provided, single submitter. Criteria: Invitae Variant Classification Sherloc (09022015). Collection method: clinical testing. Allele origin: germline.
Comment: This sequence change affects codon 628 of the MYH11 mRNA. It is a 'silent' change, meaning that it does not change the encoded amino acid sequence of the MYH11 protein. It affects a nucleotide within the consensus splice site. This variant is present in population databases (rs200158182, gnomAD 0.01%). This variant has been observed in individual(s) with clinical features of MYH11-related conditions (internal data). ClinVar contains an entry for this variant (Variation ID: 628444). Algorithms developed to predict the effect of sequence changes on RNA splicing suggest that this variant is not likely to affect RNA splicing. In summary, the available evidence is currently insufficient to determine the role of this variant in disease. Therefore, it has been classified as a Variant of Uncertain Significance.

Blueprint Genetics
Classification: Likely benign. Last evaluated: 2024-11-27. Review status: criteria provided, single submitter. Criteria: ACMG Guidelines, 2015. Collection method: clinical testing. Allele origin: germline.

Ambry Genetics
Classification: Likely benign for Familial thoracic aortic aneurysm and aortic dissection. Last evaluated: 2018-11-30. Review status: criteria provided, single submitter. Criteria: Ambry Variant Classification Scheme 2023. Collection method: clinical testing. Allele origin: germline.

GeneDx
Classification: Likely benign. Last evaluated: 2018-08-07. Review status: criteria provided, single submitter. Criteria: GeneDx Variant Classification Process June 2021. Collection method: clinical testing. Allele origin: germline. Affected: yes.

Color Diagnostics, LLC DBA Color Health
Classification: Likely benign for Familial thoracic aortic aneurysm and aortic dissection. Last evaluated: 2018-05-21. Review status: criteria provided, single submitter. Criteria: ACMG Guidelines, 2015. Collection method: clinical testing. Allele origin: germline.

Illumina Laboratory Services, Illumina
Classification: Uncertain significance for Aortic aneurysm, familial thoracic 4. Last evaluated: 2018-01-13. Review status: criteria provided, single submitter. Criteria: ICSL Variant Classification Criteria 13 December 2019. Collection method: clinical testing. Allele origin: germline.